The following is an entry in ClinVar:

ClinVar aggregate classification (germline): Uncertain significance (1 of 4 stars; one submission).

Conditions:
Familial hemophagocytic lymphohistiocytosis 5. Also called: STXBP2-Related Familial Hemophagocytic Lymphohistiocytosis (STXBP2-fHLH). Identifiers: Orphanet 540, MedGen C2751293, MONDO:0013135, OMIM 613101.

gnomAD v4.1: 6 of 1,613,364 alleles (0.00037%); highest among the groups gnomAD compares: South Asian, 0.0033%; no homozygotes.

Submission:

Labcorp Genetics (formerly Invitae), Labcorp
Classification: Uncertain significance for Familial hemophagocytic lymphohistiocytosis 5. Last evaluated: 2021-12-10. Review status: criteria provided, single submitter. Criteria: Invitae Variant Classification Sherloc (09022015). Collection method: clinical testing. Allele origin: germline.
Comment: This sequence change replaces glycine, which is neutral and non-polar, with arginine, which is basic and polar, at codon 379 of the STXBP2 protein (p.Gly379Arg). This variant is present in population databases (rs757979426, gnomAD 0.006%). This variant has not been reported in the literature in individuals affected with STXBP2-related conditions. Algorithms developed to predict the effect of missense changes on protein structure and function are either unavailable or do not agree on the potential impact of this missense change (SIFT: "Deleterious"; PolyPhen-2: "Benign"; Align-GVGD: "Class C65"). In summary, the available evidence is currently insufficient to determine the role of this variant in disease. Therefore, it has been classified as a Variant of Uncertain Significance.

NM_006949.4(STXBP2):c.1135G>A (p.Gly379Arg)

Gene: STXBP2 (syntaxin binding protein 2; plus strand). Cytogenetic location: 19p13.2.
Variant type: single nucleotide variant.
Coding change: c.1135G>A on transcript NM_006949.4 (MANE Select); coding-DNA position 1135, G replaced by A.
Protein change: p.Gly379Arg; replaces glycine 379 with arginine.
Molecular consequence: missense variant. On other transcripts: non-coding transcript variant (1).
Genome position (GRCh38, 1-based): chr19:7,644,641, G>A. VCF-style: chr19-7644641-G-A. GRCh37 (hg19) VCF-style: chr19-7709527-G-A.
Other names: c.1126G>A, p.Gly376Arg (NM_001127396.3); c.1168G>A, p.Gly390Arg (NM_001272034.2); c.1039G>A, p.Gly347Arg (NM_001414484.1); short protein forms G376R, G379R, G390R, G347R.
Identifiers: ClinVar variation 2039418 (VCV002039418.1), dbSNP rs757979426, ClinGen allele CA9144007.